The following is an entry in ClinVar:

NM_001035.3(RYR2):c.12655G>A (p.Glu4219Lys)

Genes: RYR2 (ryanodine receptor 2; plus strand), LOC126806068 (BRD4-independent group 4 enhancer GRCh37_chr1:237947411-237948610; plus strand). Cytogenetic location: 1q43.
Variant type: single nucleotide variant.
Coding change: c.12655G>A on transcript NM_001035.3 (MANE Select); coding-DNA position 12655, G replaced by A.
Protein change: p.Glu4219Lys; replaces glutamic acid 4219 with lysine.
Molecular consequence: missense variant.
Genome position (GRCh38, 1-based): chr1:237,784,367, G>A. VCF-style: chr1-237784367-G-A. GRCh37 (hg19) VCF-style: chr1-237947667-G-A.
Other names: c.12655G>A, p.Glu4219Lys (LRG_402t1); short protein forms E4219K.
Identifiers: ClinVar variation 568576 (VCV000568576.13), dbSNP rs1417926762, ClinGen allele CA345413843.

ClinVar aggregate classification (germline): Uncertain significance. Review status: criteria provided, multiple submitters, no conflicts (2 of 4 stars). 4 submissions from 4 submitters: Uncertain significance (4). Last evaluated 2026-05-27.

Conditions:
Cardiovascular phenotype. Identifiers: MedGen CN230736.
Catecholaminergic polymorphic ventricular tachycardia (CVPT). Also called: Catecholamine-induced polymorphic ventricular tachycardia. Identifiers: Orphanet 3286, MedGen C5574922, MONDO:0017990.
Catecholaminergic polymorphic ventricular tachycardia 1. Also called: VENTRICULAR TACHYCARDIA, CATECHOLAMINERGIC POLYMORPHIC, 1, WITH OR WITHOUT ATRIAL DYSFUNCTION AND/OR DILATED CARDIOMYOPATHY; RYR2-Related Catecholaminergic Polymorphic Ventricular Tachycardia; VENTRICULAR TACHYCARDIA, STRESS-INDUCED POLYMORPHIC 1. Identifiers: Orphanet 3286, MedGen C1631597, MONDO:0011484, OMIM 604772.
Cardiomyopathy (CMYO). Also called: Cardiomyopathies. Identifiers: Orphanet 167848, MedGen C0878544, MONDO:0004994, HP:0001638. Inheritance: Various modes of inheritance.

Allele frequency attached by ClinVar (database versions not stated): gnomAD exomes below 0.00001.
gnomAD v4.1: 7 of 1,613,968 alleles (0.00043%); highest among the groups gnomAD compares: Admixed American, 0.0017%; no homozygotes.

Submissions (4):

Ambry Genetics
Classification: Uncertain significance for Cardiovascular phenotype. Last evaluated: 2026-05-27. Review status: criteria provided, single submitter. Criteria: Ambry Variant Classification Scheme 2023. Collection method: clinical testing. Allele origin: germline.
Comment: The p.E4219K variant (also known as c.12655G>A), located in coding exon 90 of the RYR2 gene, results from a G to A substitution at nucleotide position 12655. The glutamic acid at codon 4219 is replaced by lysine, an amino acid with similar properties. This amino acid position is highly conserved in available vertebrate species. In addition, the in silico prediction for this alteration is inconclusive. Based on the available evidence, the clinical significance of this variant remains unclear.

Labcorp Genetics (formerly Invitae), Labcorp
Classification: Uncertain significance for Catecholaminergic polymorphic ventricular tachycardia 1. Last evaluated: 2025-12-09. Review status: criteria provided, single submitter. Criteria: Invitae Variant Classification Sherloc (09022015). Collection method: clinical testing. Allele origin: germline.
Comment: This sequence change replaces glutamic acid, which is acidic and polar, with lysine, which is basic and polar, at codon 4219 of the RYR2 protein (p.Glu4219Lys). This variant is present in population databases (no rsID available, gnomAD 0.003%). This variant has not been reported in the literature in individuals affected with RYR2-related conditions. ClinVar contains an entry for this variant (Variation ID: 568576). Invitae Evidence Modeling of protein sequence and biophysical properties (such as structural, functional, and spatial information, amino acid conservation, physicochemical variation, residue mobility, and thermodynamic stability) has been performed for this missense variant. However, the output from this modeling did not meet the statistical confidence thresholds required to predict the impact of this variant on RYR2 protein function. In summary, the available evidence is currently insufficient to determine the role of this variant in disease. Therefore, it has been classified as a Variant of Uncertain Significance.

Color Diagnostics, LLC DBA Color Health
Classification: Uncertain significance for Cardiomyopathy. Last evaluated: 2025-04-15. Review status: criteria provided, single submitter. Criteria: ACMG Guidelines, 2015. Collection method: clinical testing. Allele origin: germline.
Comment: This missense variant replaces glutamic acid with lysine at codon 4219 of the RYR2 protein. Computational prediction suggests that this variant may not impact protein structure and function. To our knowledge, functional studies have not been reported for this variant. This variant has not been reported in individuals affected with RYR2-related disorders in the literature. This variant has been identified in 1/248614 chromosomes in the general population by the Genome Aggregation Database (gnomAD). The available evidence is insufficient to determine the role of this variant in disease conclusively. Therefore, this variant is classified as a Variant of Uncertain Significance.

All of Us Research Program, National Institutes of Health
Classification: Uncertain significance for Catecholaminergic polymorphic ventricular tachycardia. Last evaluated: 2023-10-06. Review status: criteria provided, single submitter. Criteria: ACMG Guidelines, 2015. Collection method: clinical testing. Allele origin: germline. Inheritance: Autosomal dominant inheritance. Observed: 2 variant alleles, 2 heterozygotes.
Comment: This missense variant replaces glutamic acid with lysine at codon 4219 of the RYR2 protein. Computational prediction suggests that this variant may not impact protein structure and function (internally defined REVEL score threshold <= 0.5, PMID: 27666373). To our knowledge, functional studies have not been reported for this variant. This variant has not been reported in individuals affected with cardiovascular disorders in the literature. This variant has been identified in 1/248614 chromosomes in the general population by the Genome Aggregation Database (gnomAD). The available evidence is insufficient to determine the role of this variant in disease conclusively. Therefore, this variant is classified as a Variant of Uncertain Significance.

This study involves interpretation of variants in research participants for the purpose of population health screening. Participant phenotype was not available at the time of variant classification. Additional details can be found in publication PMID: 35346344, PMCID: PMC8962531